The following is an entry in ClinVar:

ClinVar aggregate classification (germline): Conflicting classifications of pathogenicity. Review status: criteria provided, conflicting classifications (1 of 4 stars). 3 submissions from 3 submitters: Likely pathogenic (1); Uncertain significance (2). Last evaluated 2017-12-06.

Conditions:
Inborn genetic diseases. Identifiers: MedGen C0950123, MeSH D030342.

Submissions (3):

Ambry Genetics
Classification: Likely pathogenic for Inborn genetic diseases. Last evaluated: 2017-12-06. Review status: criteria provided, single submitter. Criteria: Ambry exome assertion method (8-5-2015). Collection method: clinical testing. Allele origin: germline. Affected: yes. Observed: 1 variant allele.

GeneDx
Classification: Uncertain significance. Last evaluated: 2014-05-18. Review status: criteria provided, single submitter. Criteria: GeneDx Variant Classification (06012015). Collection method: clinical testing. Allele origin: germline. Affected: yes.
Comment: p.Pro369Ala (CCG>GCG): c.1105 C>G in exon 8 of the KCNQ1 gene (NM_000218.2). A variant of unknown significance has been identified in the KCNQ1 gene. The P369A variant has not been published as a mutation, nor has it been reported as a benign polymorphism to our knowledge. This substitution occurs at a position that is conserved across species. In silico analysis predicts this variant is probably damaging to the protein structure/function. Missense mutations in nearby residues (R366W, R366P, R366Q, Q367H, A371T, A372D) have been reported in association with LQTS, supporting the functional importance of this region of the protein. Nevertheless, the P369A variant is a conservative amino acid substitution, which is not likely to impact secondary protein structure as these residues share similar properties. The P369A variant was not observed in approximately 6,500 individuals of European and African American ancestry in the NHLBI Exome Sequencing Project, indicating it is not a common benign variant in these populations. Therefore, based on the currently available information, it is unclear whether this variant is a pathogenic mutation or a rare benign variant. The variant is found in LQT panel(s).

Stanford Center for Inherited Cardiovascular Disease, Stanford University
Classification: Uncertain significance. Last evaluated: 2013-04-22. Review status: criteria provided, single submitter. Criteria: ACMG Guidelines, 2015. Collection method: provider interpretation. Allele origin: germline.

Literature cited by the submitters: PubMed 25441029 (cited by Ambry Genetics); PubMed 29097701 (cited by Ambry Genetics).

NM_000218.3(KCNQ1):c.1105C>G (p.Pro369Ala)

Gene: KCNQ1 (potassium voltage-gated channel subfamily Q member 1; plus strand). Cytogenetic location: 11p15.5.
Variant type: single nucleotide variant.
Coding change: c.1105C>G on transcript NM_000218.3 (MANE Select); coding-DNA position 1105, C replaced by G.
Protein change: p.Pro369Ala; replaces proline 369 with alanine.
Molecular consequence: missense variant.
Genome position (GRCh38, 1-based): chr11:2,585,284, C>G. VCF-style: chr11-2585284-C-G. GRCh37 (hg19) VCF-style: chr11-2606514-C-G.
Other names: p.P369A:CCG>GCG; c.835C>G, p.Pro279Ala (NM_001406837.1); c.724C>G, p.Pro242Ala (NM_181798.2); short protein forms P242A, P369A, P279A.
Identifiers: ClinVar variation 200840 (VCV000200840.8), dbSNP rs794728525, ClinGen allele CA005284.
Genomic context (GRCh38, chr11:2,585,284, plus strand): 5'-TCGGGGTTTGCCCTGAAGGTGCAGCAGAAGCAGAGGCAGAAGCACTTCAACCGGCAGATC[C>G]CGGCGGCAGCCTCACTCATTCAGGTGCGGTGCCTGCAAGGCCCTGGTCACTGTCATTTTG-3'
Protein context (NP_000209.2, residues 359-379): QRQKHFNRQI[Pro369Ala]AAASLIQTAW